The following is an entry in ClinVar:

ClinVar aggregate classification (germline): Likely benign. Review status: criteria provided, single submitter (1 of 4 stars). 2 submissions from 2 submitters: Likely benign (1). 1 of the submissions does not count toward it. Last evaluated 2022-05-04.

Conditions:
GRIN2D-related disorder. Also called: GRIN2D-related condition.

Allele frequency attached by ClinVar (database versions not stated): gnomAD 0.00001.
gnomAD v4.1: 2 of 1,466,608 alleles (0.00014%); highest among the groups gnomAD compares: Admixed American, 0.0024%; no homozygotes.

Submissions (2):

Labcorp Genetics (formerly Invitae), Labcorp
Classification: Likely benign. Last evaluated: 2022-05-04. Review status: criteria provided, single submitter. Criteria: Invitae Variant Classification Sherloc (09022015). Collection method: clinical testing. Allele origin: germline.

PreventionGenetics, part of Exact Sciences
Classification: Likely benign for GRIN2D-related condition. Last evaluated: 2020-06-22. Review status: no assertion criteria provided. Collection method: clinical testing. Allele origin: germline. Not counted in ClinVar's aggregate classification.
Comment: This variant is classified as likely benign based on ACMG/AMP sequence variant interpretation guidelines (Richards et al. 2015 PMID: 25741868, with internal and published modifications).

NM_000836.4(GRIN2D):c.354A>G (p.Glu118=)

Gene: GRIN2D (glutamate ionotropic receptor NMDA type subunit 2D; plus strand). Cytogenetic location: 19q13.33.
Variant type: single nucleotide variant.
Coding change: c.354A>G on transcript NM_000836.4 (MANE Select); coding-DNA position 354, A replaced by G.
Protein change: p.Glu118=; no amino-acid change (glutamic acid 118 retained).
Molecular consequence: synonymous variant.
Genome position (GRCh38, 1-based): chr19:48,398,746, A>G. VCF-style: chr19-48398746-A-G. GRCh37 (hg19) VCF-style: chr19-48902003-A-G.
Other names: c.354A>G (NM_000836.2).
Identifiers: ClinVar variation 1940783 (VCV001940783.7), dbSNP rs1319668543, ClinGen allele CA508037675.